The following is an entry in ClinVar:

NM_021098.3(CACNA1H):c.6793A>G (p.Ser2265Gly)

Gene: CACNA1H (calcium voltage-gated channel subunit alpha1 H; plus strand). Cytogenetic location: 16p13.3.
Variant type: single nucleotide variant.
Coding change: c.6793A>G on transcript NM_021098.3 (MANE Select); coding-DNA position 6793, A replaced by G.
Protein change: p.Ser2265Gly; replaces serine 2265 with glycine.
Molecular consequence: missense variant.
Genome position (GRCh38, 1-based): chr16:1,220,725, A>G. VCF-style: chr16-1220725-A-G. GRCh37 (hg19) VCF-style: chr16-1270725-A-G.
Other names: c.6775A>G, p.Ser2259Gly (NM_001005407.2); short protein forms S2259G, S2265G.
Identifiers: ClinVar variation 3758988 (VCV003758988.2).

ClinVar aggregate classification (germline): Uncertain significance (1 of 4 stars; one submission).

Conditions:
Idiopathic generalized epilepsy. Also called: EIG; Generalised epilepsy. Identifiers: MedGen C0270850, MONDO:0005579, OMIM 600669.
Hyperaldosteronism, familial, type IV (HALD4). Also called: FH IV; ALDOSTERONISM, PRIMARY, AND HYPERTENSION. Identifiers: Orphanet 642671, MedGen C4310756, MONDO:0014875, OMIM 617027.

Submission:

Labcorp Genetics (formerly Invitae), Labcorp
Classification: Uncertain significance for Idiopathic generalized epilepsy; Hyperaldosteronism, familial, type IV. Last evaluated: 2024-03-13. Review status: criteria provided, single submitter. Criteria: Invitae Variant Classification Sherloc (09022015). Collection method: clinical testing. Allele origin: germline.
Comment: This sequence change replaces serine, which is neutral and polar, with glycine, which is neutral and non-polar, at codon 2265 of the CACNA1H protein (p.Ser2265Gly). This variant is not present in population databases (gnomAD no frequency). This variant has not been reported in the literature in individuals affected with CACNA1H-related conditions. Advanced modeling of protein sequence and biophysical properties (such as structural, functional, and spatial information, amino acid conservation, physicochemical variation, residue mobility, and thermodynamic stability) performed at Invitae indicates that this missense variant is not expected to disrupt CACNA1H protein function with a negative predictive value of 95%. In summary, the available evidence is currently insufficient to determine the role of this variant in disease. Therefore, it has been classified as a Variant of Uncertain Significance.